The following is an entry in ClinVar:

ClinVar aggregate classification (germline): Benign/Likely benign. Review status: criteria provided, multiple submitters, no conflicts (2 of 4 stars). 4 submissions from 4 submitters: Benign (1); Likely benign (3). Last evaluated 2024-11-30.

Conditions:
Familial adenomatous polyposis 1 (FAP1). Also called: POLYPOSIS, ADENOMATOUS INTESTINAL; FAMILIAL ADENOMATOUS POLYPOSIS 1, ATTENUATED. Identifiers: MedGen C2713442, MONDO:0021056, OMIM 175100. Disease mechanism: loss of function.
Hereditary cancer-predisposing syndrome. Also called: Neoplastic Syndromes, Hereditary; Hereditary Cancer Syndrome; Tumor predisposition; Hereditary neoplastic syndrome. Identifiers: Orphanet 140162, MedGen C0027672, MeSH D009386, MONDO:0015356.

Submissions (4):

Ambry Genetics
Classification: Likely benign for Hereditary cancer-predisposing syndrome. Last evaluated: 2024-11-30. Review status: criteria provided, single submitter. Criteria: Ambry Variant Classification Scheme 2023. Collection method: clinical testing. Allele origin: germline.

Myriad Genetics, Inc.
Classification: Benign for Familial adenomatous polyposis 1. Last evaluated: 2024-03-22. Review status: criteria provided, single submitter. Criteria: Myriad Autosomal Dominant, Autosomal Recessive and X-Linked Classification Criteria (2023). Collection method: clinical testing. Allele origin: unknown.
Comment: This variant is considered benign. This variant is a silent/synonymous amino acid change and it is not expected to impact splicing.

Labcorp Genetics (formerly Invitae), Labcorp
Classification: Likely benign for Familial adenomatous polyposis 1. Last evaluated: 2021-12-07. Review status: criteria provided, single submitter. Criteria: Invitae Variant Classification Sherloc (09022015). Collection method: clinical testing. Allele origin: germline.

Color Diagnostics, LLC DBA Color Health
Classification: Likely benign for Hereditary cancer-predisposing syndrome. Last evaluated: 2017-01-22. Review status: criteria provided, single submitter. Criteria: ACMG Guidelines, 2015. Collection method: clinical testing. Allele origin: germline.

NM_000038.6(APC):c.3897T>C (p.Ala1299=)

Gene: APC (APC regulator of Wnt signaling pathway; plus strand). Cytogenetic location: 5q22.2.
Variant type: single nucleotide variant.
Coding change: c.3897T>C on transcript NM_000038.6 (MANE Select); coding-DNA position 3897, T replaced by C.
Protein change: p.Ala1299=; no amino-acid change (alanine 1299 retained).
Molecular consequence: synonymous variant. On other transcripts: non-coding transcript variant (2).
Genome position (GRCh38, 1-based): chr5:112,839,491, T>C. VCF-style: chr5-112839491-T-C. GRCh37 (hg19) VCF-style: chr5-112175188-T-C.
Other names: c.3897T>C (NM_000038.5); c.3897T>C, p.Ala1299= (NM_001127510.3, NM_001354895.2, NM_001407450.1); c.3843T>C, p.Ala1281= (NM_001127511.3); c.3951T>C, p.Ala1317= (NM_001354896.2, NM_001407447.1, NM_001407448.1 and 1 more transcripts); c.3927T>C, p.Ala1309= (NM_001354897.2); c.3822T>C, p.Ala1274= (NM_001354898.2); c.3813T>C, p.Ala1271= (NM_001354899.2); c.3774T>C, p.Ala1258= (NM_001354900.2); and 12 more.
Identifiers: ClinVar variation 2036450 (VCV002036450.7), dbSNP rs1057521474, ClinGen allele CA445963821.
Genomic context (GRCh38, chr5:112,839,491, plus strand): 5'-TTTGTCATCAGCTGAAGATGAAATAGGATGTAATCAGACGACACAGGAAGCAGATTCTGC[T>C]AATACCCTGCAAATAGCAGAAATAAAAGAAAAGATTGGAACTAGGTCAGCTGAAGATCCT-3'
Protein context (NP_000029.2, residues 1289-1309): CNQTTQEADS[Ala1299=]NTLQIAEIKE